The following is an entry in ClinVar:

ClinVar aggregate classification (germline): Uncertain significance (1 of 4 stars; one submission).

gnomAD v4.1: 90 of 1,614,118 alleles (0.0056%); highest among the groups gnomAD compares: Non-Finnish European, 0.007%; no homozygotes.

Submission:

Women's Health and Genetics/Laboratory Corporation of America, LabCorp
Classification: Uncertain significance. Last evaluated: 2026-02-11. Review status: criteria provided, single submitter. Criteria: LabCorp Variant Classification Summary - May 2015. Collection method: clinical testing. Allele origin: germline.
Comment: Variant summary: ITPKB c.2203G>A (p.Asp735Asn) results in a conservative amino acid change in the encoded protein sequence. Algorithms developed to predict the effect of missense changes on protein structure and function are either unavailable or do not agree on the potential impact of this missense change. The variant allele was found at a frequency of 2.4e-05 in 251350 control chromosomes. The available data on variant occurrences in the general population are insufficient to allow any conclusion about variant significance. To our knowledge, no occurrence of c.2203G>A in individuals affected with ITPKB-related conditions and no experimental evidence demonstrating its impact on protein function have been reported. No submitters have cited clinical-significance assessments for this variant to ClinVar. Based on the evidence outlined above, the variant was classified as uncertain significance.

NM_002221.4(ITPKB):c.2203G>A (p.Asp735Asn)

Gene: ITPKB (inositol-trisphosphate 3-kinase B; minus strand). Cytogenetic location: 1q42.12.
Variant type: single nucleotide variant.
Coding change: c.2203G>A on transcript NM_002221.4 (MANE Select); coding-DNA position 2203, G replaced by A.
Protein change: p.Asp735Asn; replaces aspartic acid 735 with asparagine.
Molecular consequence: missense variant.
Genome position (GRCh38, 1-based): chr1:226,647,210, C>T on the plus strand (G>A on the coding strand, the complement: ITPKB is on the minus strand). VCF-style: chr1-226647210-C-T. GRCh37 (hg19) VCF-style: chr1-226834911-C-T.
Other names: short protein forms D735N.
Identifiers: ClinVar variation 4847917 (VCV004847917.1).